The following is an entry in ClinVar:

ClinVar aggregate classification (germline): Benign/Likely benign. Review status: criteria provided, multiple submitters, no conflicts (2 of 4 stars). 3 submissions from 3 submitters: Benign (1); Likely benign (2). Last evaluated 2026-08-01.

Conditions:
Congenital afibrinogenemia. Identifiers: Orphanet 335, Orphanet 98880, MedGen C2584774, MONDO:0008737, OMIM 202400.

Allele frequency attached by ClinVar (database versions not stated): 1000 Genomes Project 30x 0.00234; TOPMed 0.00235; 1000 Genomes Project 0.00260; ESP Exome Variant Server 0.00284; ExAC 0.00504; gnomAD exomes 0.00523; gnomAD 0.00552 and 0.00574.

Submissions (7):

CeGaT Center for Human Genetics Tuebingen
Classification: Likely benign. Last evaluated: 2026-08-01. Review status: criteria provided, single submitter. Criteria: CeGaT Center For Human Genetics Tuebingen Variant Classification Criteria Version 2. Collection method: clinical testing. Allele origin: germline. Affected: yes. Observed: 5 variant alleles.
Comment: FGB: BP4, BP7, BS2

Labcorp Genetics (formerly Invitae), Labcorp
Classification: Benign. Last evaluated: 2026-01-12. Review status: criteria provided, single submitter. Criteria: Invitae Variant Classification Sherloc (09022015). Collection method: clinical testing. Allele origin: germline.

Illumina Laboratory Services, Illumina
Classification: Likely benign for Congenital afibrinogenemia. Last evaluated: 2018-01-12. Review status: criteria provided, single submitter. Criteria: ICSL Variant Classification Criteria 13 December 2019. Collection method: clinical testing. Allele origin: germline.
Comment: This variant was observed in the ICSL laboratory as part of a predisposition screen in an ostensibly healthy population. It had not been previously curated by ICSL or reported in the Human Gene Mutation Database (HGMD: prior to June 1st, 2018), and was therefore a candidate for classification through an automated scoring system. Utilizing variant allele frequency, disease prevalence and penetrance estimates, and inheritance mode, an automated score was calculated to assess if this variant is too frequent to cause the disease. Based on the score and internal cut-off values, a variant classified as likely benign is not then subjected to further curation. The score for this variant resulted in a classification of likely benign for this disease.

Dr. Peter K. Rogan Lab, Western University
No classification provided (evidence only). Condition: Lung cancer. Review status: no classification provided. Collection method: in vitro. Allele origin: not applicable. Functional consequence: retained intron. Not counted in ClinVar's aggregate classification.

Dr. Peter K. Rogan Lab, Western University
No classification provided (evidence only). Condition: Colon adenocarcinoma. Review status: no classification provided. Collection method: in vitro. Allele origin: not applicable. Functional consequence: retained intron. Not counted in ClinVar's aggregate classification.

Dr. Peter K. Rogan Lab, Western University
No classification provided (evidence only). Condition: Colorectal cancer. Review status: no classification provided. Collection method: in vitro. Allele origin: not applicable. Functional consequence: retained intron. Not counted in ClinVar's aggregate classification.

Dr. Peter K. Rogan Lab, Western University
No classification provided (evidence only). Condition: Gastric cancer. Review status: no classification provided. Collection method: in vitro. Allele origin: not applicable. Functional consequence: retained intron. Not counted in ClinVar's aggregate classification.

NM_005141.5(FGB):c.1113A>G (p.Ser371=)

Gene: FGB (fibrinogen beta chain; plus strand). Cytogenetic location: 4q31.3.
Variant type: single nucleotide variant.
Coding change: c.1113A>G on transcript NM_005141.5 (MANE Select); coding-DNA position 1113, A replaced by G.
Protein change: p.Ser371=; no amino-acid change (serine 371 retained).
Molecular consequence: synonymous variant. On other transcripts: intron variant (1).
Genome position (GRCh38, 1-based): chr4:154,569,668, A>G. VCF-style: chr4-154569668-A-G. GRCh37 (hg19) VCF-style: chr4-155490820-A-G.
Other names: c.936A>G, p.Ser312= (NM_001184741.1); c.981A>G, p.Ser327= (NM_001382759.1); c.1113A>G, p.Ser371= (NM_001382760.1, NM_001382761.1, NM_001382765.1); c.813A>G, p.Ser271= (NM_001382762.1); c.1104A>G, p.Ser368= (NM_001382763.1); c.1080+33A>G (NM_001382764.1).
Identifiers: ClinVar variation 347775 (VCV000347775.38), dbSNP rs6057, ClinGen allele CA3114721.